The following is an entry in ClinVar:

ClinVar aggregate classification (germline): Likely benign (1 of 4 stars; one submission).

Allele frequency attached by ClinVar (database versions not stated): TOPMed 0.00022; ExAC 0.00053.
gnomAD v4.1: 275 of 1,510,658 alleles (0.018%); highest among the groups gnomAD compares: Middle Eastern, 0.023%; no homozygotes.

Submission:

CeGaT Center for Human Genetics Tuebingen
Classification: Likely benign. Last evaluated: 2022-03-01. Review status: criteria provided, single submitter. Criteria: CeGaT Center For Human Genetics Tuebingen Variant Classification Criteria Version 2. Collection method: clinical testing. Allele origin: germline. Affected: yes. Observed: 1 variant allele.
Comment: EFCC1: BP4, BP7

NM_001377500.1(EFCC1):c.952C>A (p.Arg318=)

Genes: CFAP92 (cilia and flagella associated protein 92 (putative); minus strand), EFCC1 (EF-hand and coiled-coil domain containing 1; plus strand). Cytogenetic location: 3q21.3.
Variant type: single nucleotide variant.
Coding change: c.952C>A on transcript NM_001377500.1 (MANE Select); coding-DNA position 952, C replaced by A.
Protein change: p.Arg318=; no amino-acid change (arginine 318 retained).
Molecular consequence: synonymous variant.
Genome position (GRCh38, 1-based): chr3:129,004,049, C>A. VCF-style: chr3-129004049-C-A. GRCh37 (hg19) VCF-style: chr3-128722892-C-A.
Other names: c.952C>A, p.Arg318= (NM_001377501.1, NM_024768.3).
Identifiers: ClinVar variation 2654117 (VCV002654117.24), dbSNP rs759442651, ClinGen allele CA2602389.